The following is an entry in ClinVar:

ClinVar aggregate classification (germline): Uncertain significance. Review status: criteria provided, multiple submitters, no conflicts (2 of 4 stars). 2 submissions from 2 submitters: Uncertain significance (2). Last evaluated 2024-07-23.

Conditions:
Cardiovascular phenotype. Identifiers: MedGen CN230736.

Allele frequency attached by ClinVar (database versions not stated): gnomAD exomes below 0.00001; gnomAD 0.00001; TOPMed 0.00002.
gnomAD v4.1: 2 of 1,549,728 alleles (0.00013%); highest among the groups gnomAD compares: African/African-American, 0.0014%; no homozygotes.

Submissions (2):

Labcorp Genetics (formerly Invitae), Labcorp
Classification: Uncertain significance. Last evaluated: 2024-07-23. Review status: criteria provided, single submitter. Criteria: Invitae Variant Classification Sherloc (09022015). Collection method: clinical testing. Allele origin: germline.
Comment: This sequence change replaces serine, which is neutral and polar, with phenylalanine, which is neutral and non-polar, at codon 1426 of the ZNF469 protein (p.Ser1426Phe). This variant is not present in population databases (gnomAD no frequency). This variant has not been reported in the literature in individuals affected with ZNF469-related conditions. ClinVar contains an entry for this variant (Variation ID: 1739303). An algorithm developed to predict the effect of missense changes on protein structure and function (PolyPhen-2) suggests that this variant is likely to be disruptive. In summary, the available evidence is currently insufficient to determine the role of this variant in disease. Therefore, it has been classified as a Variant of Uncertain Significance.

Ambry Genetics
Classification: Uncertain significance for Cardiovascular phenotype. Last evaluated: 2021-09-30. Review status: criteria provided, single submitter. Criteria: Ambry Variant Classification Scheme 2023. Collection method: clinical testing. Allele origin: germline.
Comment: The p.S1426F variant (also known as c.4277C>T), located in coding exon 2 of the ZNF469 gene, results from a C to T substitution at nucleotide position 4277. The serine at codon 1426 is replaced by phenylalanine, an amino acid with highly dissimilar properties. This amino acid position is conserved. In addition, this alteration is predicted to be tolerated by in silico analysis. Since supporting evidence is limited at this time, the clinical significance of this alteration remains unclear.

NM_001367624.2(ZNF469):c.4361C>T (p.Ser1454Phe)

Gene: ZNF469 (zinc finger protein 469; plus strand). Cytogenetic location: 16q24.2.
Variant type: single nucleotide variant.
Coding change: c.4361C>T on transcript NM_001367624.2 (MANE Select); coding-DNA position 4361, C replaced by T.
Protein change: p.Ser1454Phe; replaces serine 1454 with phenylalanine.
Molecular consequence: missense variant.
Genome position (GRCh38, 1-based): chr16:88,431,831, C>T. VCF-style: chr16-88431831-C-T. GRCh37 (hg19) VCF-style: chr16-88498239-C-T.
Other names: NM_001127464.1:c.4277C>T; short protein forms S1454F.
Identifiers: ClinVar variation 1739303 (VCV001739303.4), dbSNP rs1289552857, ClinGen allele CA397091321.